The following is an entry in ClinVar:

ClinVar aggregate classification (germline): Likely benign (0 of 4 stars; one submission).

Conditions:
TBX3-related disorder. Also called: TBX3-related condition.

Submission:

PreventionGenetics, part of Exact Sciences
Classification: Likely benign for TBX3-related condition. Last evaluated: 2023-01-26. Review status: no assertion criteria provided. Collection method: clinical testing. Allele origin: germline.
Comment: This variant is classified as likely benign based on ACMG/AMP sequence variant interpretation guidelines (Richards et al. 2015 PMID: 25741868, with internal and published modifications).

NM_005996.4(TBX3):c.-895TC[18]

Genes: TBX3 (T-box transcription factor 3; minus strand), TBX3-AS1 (TBX3 antisense RNA 1; plus strand). Cytogenetic location: 12q24.21.
Variant type: Microsatellite.
Coding change: c.-895TC[18] on transcript NM_005996.4 (MANE Select); 18 copies in a row of the 2-base unit TC starting at c.-895; the reference has 12 copies in a row; six copies, 12 bases duplicated.
Molecular consequence: 5 prime UTR variant.
Genome position (GRCh38, 1-based): chr12:114,684,072-114,684,083, GAGAGAGAGAGA duplicated on the plus strand (TCTCTCTCTCTC on the coding strand, the reverse complement: TBX3 is on the minus strand); duplicating any 12 consecutive bases within chr12:114,684,072-114,684,095 gives the same sequence; the position shown is the placement nearest the transcript's 3' end. VCF-style (leftmost placement, unchanged base first): chr12-114684071-G-GGAGAGAGAGAGA. GRCh37 (hg19) VCF-style: chr12-115121876-G-GGAGAGAGAGAGA.
Other names: c.-883_-872dup12 (NM_016569.3); c.-895TC[18] (NM_016569.4).
Identifiers: ClinVar variation 307403 (VCV000307403.7), dbSNP rs57078153, ClinGen allele CA10640407.